The following is an entry in ClinVar:

NM_020806.5(GPHN):c.2162G>T (p.Trp721Leu)

Gene: GPHN (gephyrin; plus strand). Cytogenetic location: 14q23.3.
Variant type: single nucleotide variant.
Coding change: c.2162G>T on transcript NM_020806.5 (MANE Select); coding-DNA position 2162, G replaced by T.
Protein change: p.Trp721Leu; replaces tryptophan 721 with leucine.
Molecular consequence: missense variant.
Genome position (GRCh38, 1-based): chr14:67,179,660, G>T. VCF-style: chr14-67179660-G-T. GRCh37 (hg19) VCF-style: chr14-67646377-G-T.
Other names: c.2063G>T, p.Trp688Leu (NM_001024218.2); c.2222G>T, p.Trp741Leu (NM_001377514.1); c.2192G>T, p.Trp731Leu (NM_001377515.1); c.2183G>T, p.Trp728Leu (NM_001377516.1); c.2135G>T, p.Trp712Leu (NM_001377517.1); c.2120G>T, p.Trp707Leu (NM_001377518.1); c.2102G>T, p.Trp701Leu (NM_001377519.1); short protein forms W688L, W728L, W731L, W707L, W712L, W741L, W721L, W701L.
Identifiers: ClinVar variation 2703913 (VCV002703913.3), dbSNP rs2544478657, ClinGen allele CA390122434.

ClinVar aggregate classification (germline): Uncertain significance (1 of 4 stars; one submission).

Conditions:
Sulfite oxidase deficiency due to molybdenum cofactor deficiency type C. Also called: Molybdenum cofactor deficiency, complementation group C; Molybdenum cofactor deficiency C. Identifiers: Orphanet 308400, Orphanet 833, MedGen C1854990, MONDO:0014212, OMIM 615501.

Submission:

Labcorp Genetics (formerly Invitae), Labcorp
Classification: Uncertain significance for Sulfite oxidase deficiency due to molybdenum cofactor deficiency type C. Last evaluated: 2024-06-03. Review status: criteria provided, single submitter. Criteria: Invitae Variant Classification Sherloc (09022015). Collection method: clinical testing. Allele origin: germline.
Comment: This sequence change replaces tryptophan, which is neutral and slightly polar, with leucine, which is neutral and non-polar, at codon 721 of the GPHN protein (p.Trp721Leu). This variant is not present in population databases (gnomAD no frequency). This variant has not been reported in the literature in individuals affected with GPHN-related conditions. Advanced modeling of protein sequence and biophysical properties (such as structural, functional, and spatial information, amino acid conservation, physicochemical variation, residue mobility, and thermodynamic stability) performed at Invitae indicates that this missense variant is not expected to disrupt GPHN protein function with a negative predictive value of 80%. In summary, the available evidence is currently insufficient to determine the role of this variant in disease. Therefore, it has been classified as a Variant of Uncertain Significance.